The following is an entry in ClinVar:

ClinVar aggregate classification (germline): Uncertain significance. Review status: criteria provided, multiple submitters, no conflicts (2 of 4 stars). 2 submissions from 2 submitters: Uncertain significance (2). Last evaluated 2019-11-25.

Conditions:
Hereditary cancer-predisposing syndrome. Also called: Neoplastic Syndromes, Hereditary; Tumor predisposition; Hereditary neoplastic syndrome; Hereditary Cancer Syndrome. Identifiers: Orphanet 140162, MedGen C0027672, MeSH D009386, MONDO:0015356.

Submissions (2):

Labcorp Genetics (formerly Invitae), Labcorp
Classification: Uncertain significance. Last evaluated: 2019-11-25. Review status: criteria provided, single submitter. Criteria: Invitae Variant Classification Sherloc (09022015). Collection method: clinical testing. Allele origin: germline.
Comment: In summary, the available evidence is currently insufficient to determine the role of this variant in disease. Therefore, it has been classified as a Variant of Uncertain Significance. Experimental studies and prediction algorithms are not available or were not evaluated, and the functional significance of this variant is currently unknown. This variant has not been reported in the literature in individuals with POLE-related conditions. This variant is not present in population databases (ExAC no frequency). This variant, c.5590_5592dup, results in the insertion of 1 amino acid(s) to the POLE protein (p.Ile1864dup), but otherwise preserves the integrity of the reading frame.

Ambry Genetics
Classification: Uncertain significance for Hereditary cancer-predisposing syndrome. Last evaluated: 2018-11-05. Review status: criteria provided, single submitter. Criteria: Ambry Variant Classification Scheme 2023. Collection method: clinical testing. Allele origin: germline.
Comment: The c.5590_5592dupATC variant (also known as p.I1864dup), located in coding exon 41 of the POLE gene, results from an in-frame duplication of ATC at nucleotide positions 5590 to 5592. This results in the duplication of an extra isoleucine residue between codons 1864 and 1865. The duplicated amino acid position is poorly conserved in available vertebrate species. Since supporting evidence is limited at this time, the clinical significance of this alteration remains unclear.

NM_006231.4(POLE):c.5590_5592dup (p.Ile1864dup)

Gene: POLE (DNA polymerase epsilon, catalytic subunit; minus strand). Cytogenetic location: 12q24.33.
Variant type: Duplication.
Coding change: c.5590_5592dup on transcript NM_006231.4 (MANE Select); coding-DNA positions 5590 to 5592, 3 bases duplicated (ATC; older notation c.5590_5592dupATC).
Protein change: p.Ile1864dup; duplicates isoleucine 1864.
Molecular consequence: inframe insertion.
Genome position (GRCh38, 1-based): chr12:132,638,100-132,638,102, GAT duplicated on the plus strand (ATC on the coding strand, the reverse complement: POLE is on the minus strand); duplicating any 3 consecutive bases within chr12:132,638,100-132,638,104 gives the same sequence; the c. name uses the placement nearest the transcript's 3' end. VCF-style (leftmost placement, unchanged base first): chr12-132638099-A-AGAT. GRCh37 (hg19) VCF-style: chr12-133214685-A-AGAT.
Identifiers: ClinVar variation 825843 (VCV000825843.14), dbSNP rs1593719801, ClinGen allele CA915946804.
Genomic context (GRCh38, chr12:132,638,099, plus strand): 5'-CGATGGCATCTTCCACACGGCGCTTCTTTGTACAGAGGATGATGCGGTTGAAGTTGGCGT[A>AGAT]GATGACTGATGACCCCAGGCGCTTGAACTCAGCGATGAGCCTGTGGAGCAAGTTGAGAGT-3'